The following is an entry in ClinVar:

NM_017780.4(CHD7):c.7508T>C (p.Val2503Ala)

Gene: CHD7 (chromodomain helicase DNA binding protein 7; plus strand). Cytogenetic location: 8q12.2.
Variant type: single nucleotide variant.
Coding change: c.7508T>C on transcript NM_017780.4 (MANE Select); coding-DNA position 7508, T replaced by C.
Protein change: p.Val2503Ala; replaces valine 2503 with alanine.
Molecular consequence: missense variant. On other transcripts: intron variant (1).
Genome position (GRCh38, 1-based): chr8:60,856,788, T>C. VCF-style: chr8-60856788-T-C. GRCh37 (hg19) VCF-style: chr8-61769347-T-C.
Other names: c.1717-5441T>C (NM_001316690.1); short protein forms V2503A.
Identifiers: ClinVar variation 4807094 (VCV004807094.1).
Genomic context (GRCh38, chr8:60,856,788, plus strand): 5'-AACTGCTCCAAGCAGGCCTTTCGCGCACACCCACAAGGCATCTCCTTAATGGCTCCCTAG[T>C]GGATGGAGAGCCTCCCATGAAGAGGAGGCGGGGAAGGAGGAAAAATGTGGAGGGACTTGA-3'
Protein context (NP_060250.2, residues 2493-2513): PTRHLLNGSL[Val2503Ala]DGEPPMKRRR

ClinVar aggregate classification (germline): Uncertain significance (1 of 4 stars; one submission).

Conditions:
CHARGE syndrome (CHARGE). Also called: Hittner Hirsch Kreh syndrome; CHARGE ASSOCIATION--COLOBOMA, HEART ANOMALY, CHOANAL ATRESIA, RETARDATION, GENITAL AND EAR ANOMALIES; Coloboma, heart anomaly, choanal atresia, retardation, genital and ear anomalies; CHARGE association; Hall-Hittner syndrome. Identifiers: Orphanet 138, MedGen C0265354, MONDO:0008965.

gnomAD v4.1: 5 of 1,611,364 alleles (0.00031%); highest among the groups gnomAD compares: Non-Finnish European, 0.00034%; no homozygotes.

Submission:

Labcorp Genetics (formerly Invitae), Labcorp
Classification: Uncertain significance for CHARGE syndrome. Last evaluated: 2025-09-10. Review status: criteria provided, single submitter. Criteria: Invitae Variant Classification Sherloc (09022015). Collection method: clinical testing. Allele origin: germline.
Comment: This sequence change replaces valine, which is neutral and non-polar, with alanine, which is neutral and non-polar, at codon 2503 of the CHD7 protein (p.Val2503Ala). This variant is not present in population databases (gnomAD no frequency). This variant has not been reported in the literature in individuals affected with CHD7-related conditions. Invitae Evidence Modeling of protein sequence and biophysical properties (such as structural, functional, and spatial information, amino acid conservation, physicochemical variation, residue mobility, and thermodynamic stability) indicates that this missense variant is not expected to disrupt CHD7 protein function with a negative predictive value of 80%. In summary, the available evidence is currently insufficient to determine the role of this variant in disease. Therefore, it has been classified as a Variant of Uncertain Significance.